The following is an entry in ClinVar:

NM_000238.4(KCNH2):c.1840G>T (p.Ala614Ser)

Gene: KCNH2 (potassium voltage-gated channel subfamily H member 2; minus strand). Cytogenetic location: 7q36.1.
Variant type: single nucleotide variant.
Coding change: c.1840G>T on transcript NM_000238.4 (MANE Select); coding-DNA position 1840, G replaced by T.
Protein change: p.Ala614Ser; replaces alanine 614 with serine.
Molecular consequence: missense variant.
Genome position (GRCh38, 1-based): chr7:150,951,553, C>A on the plus strand (G>T on the coding strand, the complement: KCNH2 is on the minus strand). VCF-style: chr7-150951553-C-A. GRCh37 (hg19) VCF-style: chr7-150648641-C-A.
Other names: c.820G>T, p.Ala274Ser (NM_001204798.2, NM_172057.3); c.1552G>T, p.Ala518Ser (NM_001406753.1, NM_001406756.1); c.1663G>T, p.Ala555Ser (NM_001406755.1); c.1540G>T, p.Ala514Ser (NM_001406757.1); c.1840G>T, p.Ala614Ser (NM_172056.3); short protein forms A274S, A614S, A514S, A555S, A518S.
Identifiers: ClinVar variation 1479255 (VCV001479255.9), dbSNP rs2116960374, ClinGen allele CA369857972.

ClinVar aggregate classification (germline): Uncertain significance (1 of 4 stars; one submission).

Conditions:
Long QT syndrome (LQTS). Identifiers: MedGen C0023976, MeSH D008133, MONDO:0002442. Disease mechanism: loss of function. Inheritance: Various modes of inheritance.

Submission:

Labcorp Genetics (formerly Invitae), Labcorp
Classification: Uncertain significance for Long QT syndrome. Last evaluated: 2021-04-04. Review status: criteria provided, single submitter. Criteria: Invitae Variant Classification Sherloc (09022015). Collection method: clinical testing. Allele origin: germline.
Comment: This sequence change replaces alanine with serine at codon 614 of the KCNH2 protein (p.Ala614Ser). The alanine residue is highly conserved and there is a moderate physicochemical difference between alanine and serine. In summary, the available evidence is currently insufficient to determine the role of this variant in disease. Therefore, it has been classified as a Variant of Uncertain Significance. This variant disrupts the p.Ala614 amino acid residue in KCNH2. Other variant(s) that disrupt this residue have been determined to be pathogenic (PMID: 9024139, 9544837, 15090700, 18441445, 18808722, 19057127, 19996378, 22949429, 16432067, 23303164, 25417810). This suggests that this residue is clinically significant, and that variants that disrupt this residue are likely to be disease-causing. Algorithms developed to predict the effect of missense changes on protein structure and function are either unavailable or do not agree on the potential impact of this missense change (SIFT: "Tolerated"; PolyPhen-2: "Probably Damaging"; Align-GVGD: "Class C0"). This variant has not been reported in the literature in individuals with KCNH2-related conditions. This variant is not present in population databases (ExAC no frequency).

Literature cited by the submitters: PubMed 9024139; PubMed 9544837; PubMed 15090700; PubMed 18441445; PubMed 18808722; PubMed 19057127; PubMed 19996378; PubMed 22949429; PubMed 16432067; PubMed 23303164; PubMed 25417810.